The following is an entry in ClinVar:

NM_000548.5(TSC2):c.*7G>A

Gene: TSC2 (TSC complex subunit 2; plus strand). Cytogenetic location: 16p13.3.
Variant type: single nucleotide variant.
Coding change: c.*7G>A on transcript NM_000548.5 (MANE Select); 7 bases downstream of the stop codon, G replaced by A.
Molecular consequence: 3 prime UTR variant.
Genome position (GRCh38, 1-based): chr16:2,088,617, G>A. VCF-style: chr16-2088617-G-A. GRCh37 (hg19) VCF-style: chr16-2138618-G-A.
Other names: c.*7G>A (NM_000548.4, NM_001077183.3, NM_001114382.3 and 8 more transcripts).
Identifiers: ClinVar variation 379639 (VCV000379639.13), dbSNP rs765016970, ClinGen allele CA7828404.

ClinVar aggregate classification (germline): Conflicting classifications of pathogenicity. Review status: criteria provided, conflicting classifications (1 of 4 stars). 6 submissions from 6 submitters: Uncertain significance (1); Benign (1); Likely benign (3). 1 of the submissions does not count toward it. Last evaluated 2025-06-09.

Conditions:
TSC2-related disorder. Also called: TSC2-related condition; TSC2-Related Disorders.
Tuberous sclerosis syndrome (TSC). Also called: Tuberous sclerosis; Tuberous Sclerosis Complex. Identifiers: Orphanet 805, MedGen C0041341, MONDO:0001734.
Tuberous sclerosis 2 (TSC2). Identifiers: Orphanet 805, MedGen C1860707, MONDO:0013199, OMIM 613254.

Allele frequency attached by ClinVar (database versions not stated): ExAC 0.00002; gnomAD exomes 0.00006; TOPMed 0.00006; gnomAD 0.00007.
gnomAD v4.1: 48 of 1,599,960 alleles (0.003%); highest among the groups gnomAD compares: Admixed American, 0.0017%; no homozygotes.

Submissions (6):

Myriad Genetics, Inc.
Classification: Benign for Tuberous sclerosis 2. Last evaluated: 2025-06-09. Review status: criteria provided, single submitter. Criteria: Myriad Autosomal Dominant, Autosomal Recessive and X-Linked Classification Criteria (2023). Collection method: clinical testing. Allele origin: unknown.
Comment: This variant is considered benign. This variant occurs in the non-coding 3' untranslated region of the gene, and is not expected to impact protein function.

Blueprint Genetics
Classification: Likely benign. Last evaluated: 2024-07-02. Review status: criteria provided, single submitter. Criteria: ACMG Guidelines, 2015. Collection method: clinical testing. Allele origin: germline.

Genome-Nilou Lab
Classification: Likely benign for Tuberous sclerosis 2. Last evaluated: 2021-11-07. Review status: criteria provided, single submitter. Criteria: ACMG Guidelines, 2015. Collection method: clinical testing. Allele origin: germline. Affected: no.

GeneDx
Classification: Likely benign. Last evaluated: 2019-12-30. Review status: criteria provided, single submitter. Criteria: GeneDx Variant Classification Process June 2021. Collection method: clinical testing. Allele origin: germline. Affected: yes.

Illumina Laboratory Services, Illumina
Classification: Uncertain significance for Tuberous sclerosis syndrome. Last evaluated: 2017-04-27. Review status: criteria provided, single submitter. Criteria: ICSL Variant Classification Criteria 13 December 2019. Collection method: clinical testing. Allele origin: germline.

PreventionGenetics, part of Exact Sciences
Classification: Likely benign for TSC2-related condition. Last evaluated: 2020-08-24. Review status: no assertion criteria provided. Collection method: clinical testing. Allele origin: germline. Not counted in ClinVar's aggregate classification.
Comment: This variant is classified as likely benign based on ACMG/AMP sequence variant interpretation guidelines (Richards et al. 2015 PMID: 25741868, with internal and published modifications).